The following is an entry in ClinVar:

NM_016038.4(SBDS):c.357T>C (p.Cys119=)

Gene: SBDS (SBDS ribosome maturation factor; minus strand). Cytogenetic location: 7q11.21.
Variant type: single nucleotide variant.
Coding change: c.357T>C on transcript NM_016038.4 (MANE Select); coding-DNA position 357, T replaced by C.
Protein change: p.Cys119=; no amino-acid change (cysteine 119 retained).
Molecular consequence: synonymous variant.
Genome position (GRCh38, 1-based): chr7:66,993,319, A>G on the plus strand (T>C on the coding strand, the complement: SBDS is on the minus strand). VCF-style: chr7-66993319-A-G. GRCh37 (hg19) VCF-style: chr7-66458306-A-G.
Identifiers: ClinVar variation 1292188 (VCV001292188.11), dbSNP rs189441106, ClinGen allele CA4279174.
Genomic context (GRCh38, chr7:66,993,319, plus strand): 5'-GTCCTTCATGGCTCTCTCAATAAGGATCACGGTGTATGGTCTCTTTGTTTCAGGATTCAC[A>G]CATTTGTCTGCCACAATAGTTGCAATGTCCCTAAACATCTGCTCCAGTTGTGTGTGTCTT-3'
Protein context (NP_057122.2, residues 109-129): RDIATIVADK[Cys119=]VNPETKRPYT

ClinVar aggregate classification (germline): Benign/Likely benign. Review status: criteria provided, multiple submitters, no conflicts (2 of 4 stars). 6 submissions from 6 submitters: Benign (2); Likely benign (4). Last evaluated 2026-08-01.

Conditions:
Inborn genetic diseases. Identifiers: MedGen C0950123, MeSH D030342.

Allele frequency attached by ClinVar (database versions not stated): 1000 Genomes Project 0.00040; 1000 Genomes Project 30x 0.00047; TOPMed 0.00083; ExAC 0.00131; gnomAD exomes 0.00170 and 0.00034; gnomAD 0.00022 and 0.00025.
gnomAD v4.1: 516 of 1,614,070 alleles (0.032%); highest among the groups gnomAD compares: Admixed American, 0.83%; 4 homozygotes.

Submissions (6):

CeGaT Center for Human Genetics Tuebingen
Classification: Likely benign. Last evaluated: 2026-08-01. Review status: criteria provided, single submitter. Criteria: CeGaT Center For Human Genetics Tuebingen Variant Classification Criteria Version 2. Collection method: clinical testing. Allele origin: germline. Affected: yes. Observed: 1 variant allele.
Comment: SBDS: BP4, BP7

Women's Health and Genetics/Laboratory Corporation of America, LabCorp
Classification: Likely benign. Last evaluated: 2026-01-23. Review status: criteria provided, single submitter. Criteria: LabCorp Variant Classification Summary - May 2015. Collection method: clinical testing. Allele origin: germline.

Blueprint Genetics
Classification: Likely benign. Last evaluated: 2022-10-26. Review status: criteria provided, single submitter. Criteria: ACMG Guidelines, 2015. Collection method: clinical testing. Allele origin: germline.

Ambry Genetics
Classification: Likely benign for Inborn genetic diseases. Last evaluated: 2022-08-16. Review status: criteria provided, single submitter. Criteria: Ambry Variant Classification Scheme 2023. Collection method: clinical testing. Allele origin: germline.

Genetic Services Laboratory, University of Chicago
Classification: Benign. Last evaluated: 2018-05-29. Review status: criteria provided, single submitter. Criteria: ACMG Guidelines, 2015. Collection method: clinical testing. Allele origin: germline. Affected: no.

GeneDx
Classification: Benign. Last evaluated: 2015-03-03. Review status: criteria provided, single submitter. Criteria: GeneDx Variant Classification Process June 2021. Collection method: clinical testing. Allele origin: germline. Affected: yes.